The following is an entry in ClinVar:

ClinVar aggregate classification (germline): Uncertain significance (1 of 4 stars; one submission).

Submission:

Labcorp Genetics (formerly Invitae), Labcorp
Classification: Uncertain significance. Last evaluated: 2025-07-27. Review status: criteria provided, single submitter. Criteria: Invitae Variant Classification Sherloc (09022015). Collection method: clinical testing. Allele origin: germline.
Comment: This variant, c.1606_1611dup, results in the insertion of 2 amino acid(s) of the OPA1 protein (p.Ala536_His537dup), but otherwise preserves the integrity of the reading frame. This variant is not present in population databases (gnomAD no frequency). This variant has not been reported in the literature in individuals affected with OPA1-related conditions. In summary, the available evidence is currently insufficient to determine the role of this variant in disease. Therefore, it has been classified as a Variant of Uncertain Significance.

NM_130837.3(OPA1):c.1771_1776dup (p.His592_Gln593insAlaHis)

Genes: OPA1 (OPA1 mitochondrial dynamin like GTPase; plus strand), LOC126806913 (BRD4-independent group 4 enhancer GRCh37_chr3:193364377-193365576; plus strand). Cytogenetic location: 3q29.
Variant type: Duplication.
Coding change: c.1771_1776dup on transcript NM_130837.3 (MANE Select); coding-DNA positions 1771 to 1776, 6 bases duplicated (GCACAC; older notation c.1771_1776dupGCACAC).
Protein change: p.His592_Gln593insAlaHis.
Molecular consequence: inframe insertion.
Genome position (GRCh38, 1-based): chr3:193,647,081-193,647,086, GCACAC duplicated. VCF-style (leftmost placement, unchanged base first): chr3-193647080-G-GGCACAC. GRCh37 (hg19) VCF-style: chr3-193364869-G-GGCACAC.
Other names: c.1237_1242dup, p.His414_Gln415insAlaHis (NM_001354663.2); c.1234_1239dup, p.His413_Gln414insAlaHis (NM_001354664.2); c.1606_1611dup, p.His537_Gln538insAlaHis (NM_015560.3); c.1498_1503dup, p.His501_Gln502insAlaHis (NM_130831.3); c.1552_1557dup, p.His519_Gln520insAlaHis (NM_130832.3); c.1609_1614dup, p.His538_Gln539insAlaHis (NM_130833.3); c.1660_1665dup, p.His555_Gln556insAlaHis (NM_130834.3); c.1663_1668dup, p.His556_Gln557insAlaHis (NM_130835.3); and 1 more.
Identifiers: ClinVar variation 4722545 (VCV004722545.1).